The following is an entry in ClinVar:

NM_201253.3(CRB1):c.652+1G>A

Gene: CRB1 (crumbs cell polarity complex component 1; plus strand). Cytogenetic location: 1q31.3.
Variant type: single nucleotide variant.
Coding change: c.652+1G>A on transcript NM_201253.3 (MANE Select); the canonical splice donor site of the intron after coding-DNA position 652, G replaced by A.
Molecular consequence: splice donor variant.
Genome position (GRCh38, 1-based): chr1:197,329,004, G>A. VCF-style: chr1-197329004-G-A. GRCh37 (hg19) VCF-style: chr1-197298134-G-A.
Other names: c.445+1G>A (NM_001257965.2); c.652+1G>A (NM_001257966.2, NM_001193640.2).
Identifiers: ClinVar variation 1484059 (VCV001484059.10), dbSNP rs2125304900, ClinGen allele CA344081768.
Genomic context (GRCh38, chr1:197,329,004, plus strand): 5'-AGGCTACATGCCTCAATGAAATAGGAAGATATACTTGTATCTGTCCCCACAATTATTCTG[G>A]TAAGTGTGATCATATCTGAATCACAGATGGTGTAGTTAGCTCTTTCTAAGTGGCAGAAGC-3'

ClinVar aggregate classification (germline): Pathogenic/Likely pathogenic. Review status: criteria provided, multiple submitters, no conflicts (2 of 4 stars). 7 submissions from 5 submitters: Pathogenic (4); Likely pathogenic (2). 1 of the submissions does not count toward it. Last evaluated 2024-01-30.

Conditions:
Retinal dystrophy. Also called: Inherited retinal dystrophy. Identifiers: Orphanet 71862, MedGen C0854723, MeSH D058499, MONDO:0019118, HP:0000556.
Pigmented paravenous retinochoroidal atrophy. Identifiers: Orphanet 251295, MedGen C1868310, MONDO:0008246, OMIM 172870.
Retinitis pigmentosa 12 (RP12). Also called: RP WITH OR WITHOUT PRESERVED PARAARTERIOLE RETINAL PIGMENT EPITHELIUM; RETINITIS PIGMENTOSA WITH OR WITHOUT PARAARTERIOLAR PRESERVATION OF RETINAL PIGMENT EPITHELIUM; RP WITH OR WITHOUT PPRPE. Identifiers: Orphanet 791, MedGen C1838647, MONDO:0010818, OMIM 600105.
Leber congenital amaurosis 8 (LCA8). Identifiers: Orphanet 65, MedGen C3151202, MONDO:0013453, OMIM 613835.

Submissions (7):

Fulgent Genetics
Classification: Likely pathogenic for Pigmented paravenous retinochoroidal atrophy; Retinitis pigmentosa 12; Leber congenital amaurosis 8. Last evaluated: 2024-01-30. Review status: criteria provided, single submitter. Criteria: ACMG Guidelines, 2015. Collection method: clinical testing. Allele origin: germline.

Genome-Nilou Lab
Classification: Pathogenic for Leber congenital amaurosis 8. Last evaluated: 2023-04-11. Review status: criteria provided, single submitter. Criteria: ACMG Guidelines, 2015. Collection method: clinical testing. Allele origin: germline. Affected: no.

Genome-Nilou Lab
Classification: Pathogenic for Pigmented paravenous retinochoroidal atrophy. Last evaluated: 2023-04-11. Review status: criteria provided, single submitter. Criteria: ACMG Guidelines, 2015. Collection method: clinical testing. Allele origin: germline. Affected: no.

Genome-Nilou Lab
Classification: Pathogenic for Retinitis pigmentosa 12. Last evaluated: 2023-04-11. Review status: criteria provided, single submitter. Criteria: ACMG Guidelines, 2015. Collection method: clinical testing. Allele origin: germline. Affected: no.

Mendelics
Classification: Pathogenic for Pigmented paravenous retinochoroidal atrophy. Last evaluated: 2022-05-04. Review status: criteria provided, single submitter. Criteria: Mendelics Assertion Criteria 2019. Collection method: clinical testing. Allele origin: germline.

Labcorp Genetics (formerly Invitae), Labcorp
Classification: Likely pathogenic for Leber congenital amaurosis 8; Retinitis pigmentosa 12. Last evaluated: 2021-08-31. Review status: criteria provided, single submitter. Criteria: Invitae Variant Classification Sherloc (09022015). Collection method: clinical testing. Allele origin: germline.
Comment: This sequence change affects a donor splice site in intron 2 of the CRB1 gene. It is expected to disrupt RNA splicing. Variants that disrupt the donor or acceptor splice site typically lead to a loss of protein function (PMID: 16199547), and loss-of-function variants in CRB1 are known to be pathogenic (PMID: 10508521, 22065545, 23379534, 25412400, 26957898, 28041643, 29391521). This variant is not present in population databases (ExAC no frequency). This variant has not been reported in the literature in individuals affected with CRB1-related conditions. Algorithms developed to predict the effect of sequence changes on RNA splicing suggest that this variant may disrupt the consensus splice site. In summary, the currently available evidence indicates that the variant is pathogenic, but additional data are needed to prove that conclusively. Therefore, this variant has been classified as Likely Pathogenic.

Institute of Human Genetics, Univ. Regensburg, Univ. Regensburg
Classification: Pathogenic for Retinal dystrophy. Last evaluated: 2016-01-01. Review status: no assertion criteria provided. Criteria: ACMG Guidelines, 2015. Collection method: clinical testing. Allele origin: germline. Affected: yes. Not counted in ClinVar's aggregate classification.

Literature cited by the submitters: PubMed 16199547 (cited by Labcorp Genetics (formerly Invitae), Labcorp); PubMed 10508521 (cited by Labcorp Genetics (formerly Invitae), Labcorp); PubMed 22065545 (cited by Labcorp Genetics (formerly Invitae), Labcorp); PubMed 23379534 (cited by Labcorp Genetics (formerly Invitae), Labcorp); PubMed 25412400 (cited by Labcorp Genetics (formerly Invitae), Labcorp); PubMed 26957898 (cited by Labcorp Genetics (formerly Invitae), Labcorp); PubMed 28041643 (cited by Labcorp Genetics (formerly Invitae), Labcorp); PubMed 29391521 (cited by Labcorp Genetics (formerly Invitae), Labcorp).